The following is an entry in ClinVar:

ClinVar aggregate classification (germline): Uncertain significance. Review status: criteria provided, multiple submitters, no conflicts (2 of 4 stars). 2 submissions from 2 submitters: Uncertain significance (2). Last evaluated 2019-02-14.

Conditions:
Ataxia-telangiectasia syndrome (AT). Also called: Ataxia-telangiectasia, complementation group D; AT, COMPLEMENTATION GROUP C; Ataxia telangiectasia (A-T); Cerebello-oculocutaneous telangiectasia; Immunodeficiency with ataxia telangiectasia; Ataxia-telangiectasia. Identifiers: Orphanet 100, MedGen C0004135, MONDO:0008840, OMIM 208900.
Hereditary cancer-predisposing syndrome. Also called: Neoplastic Syndromes, Hereditary; Hereditary neoplastic syndrome; Tumor predisposition; Hereditary Cancer Syndrome. Identifiers: Orphanet 140162, MedGen C0027672, MeSH D009386, MONDO:0015356.

Allele frequency attached by ClinVar (database versions not stated): gnomAD exomes below 0.00001.
gnomAD v4.1: 1 of 1,613,946 alleles (0.000062%); highest among the groups gnomAD compares: Non-Finnish European, 0.000085%; no homozygotes.

Submissions (2):

Labcorp Genetics (formerly Invitae), Labcorp
Classification: Uncertain significance for Ataxia-telangiectasia syndrome. Last evaluated: 2019-02-14. Review status: criteria provided, single submitter. Criteria: Invitae Variant Classification Sherloc (09022015). Collection method: clinical testing. Allele origin: germline.
Comment: In summary, the available evidence is currently insufficient to determine the role of this variant in disease. Therefore, it has been classified as a Variant of Uncertain Significance. Algorithms developed to predict the effect of missense changes on protein structure and function (SIFT, PolyPhen-2, Align-GVGD) all suggest that this variant is likely to be tolerated, but these predictions have not been confirmed by published functional studies and their clinical significance is uncertain. This variant has not been reported in the literature in individuals with ATM-related conditions. This variant is not present in population databases (ExAC no frequency). This sequence change replaces isoleucine with threonine at codon 339 of the ATM protein (p.Ile339Thr). The isoleucine residue is moderately conserved and there is a moderate physicochemical difference between isoleucine and threonine.

Ambry Genetics
Classification: Uncertain significance for Hereditary cancer-predisposing syndrome. Last evaluated: 2015-08-20. Review status: criteria provided, single submitter. Criteria: Ambry Variant Classification Scheme 2023. Collection method: clinical testing. Allele origin: germline.
Comment: The p.I339T variant (also known as c.1016T>C), located in coding exon 7 of the ATM gene, results from a T to C substitution at nucleotide position 1016. The isoleucine at codon 339 is replaced by threonine, an amino acid with similar properties. This variant was not reported in population based cohorts in the following databases: Database of Single Nucleotide Polymorphisms (dbSNP), NHLBI Exome Sequencing Project (ESP), and 1000 Genomes Project. In the ESP, this variant was not observed in 6499 samples (12998 alleles) with coverage at this position. To date, this alteration has been detected with an allele frequency of approximately 0.002% (greater than 66000 alleles tested) in our clinical cohort. This amino acid position is not well conserved in available vertebrate species. In addition, this alteration is predicted to be tolerated by in silico analysis. Since supporting evidence is limited at this time, the clinical significance of p.I339T remains unclear.

NM_000051.4(ATM):c.1016T>C (p.Ile339Thr)

Gene: ATM (ATM serine/threonine kinase; plus strand). Cytogenetic location: 11q22.3.
Variant type: single nucleotide variant.
Coding change: c.1016T>C on transcript NM_000051.4 (MANE Select); coding-DNA position 1016, T replaced by C.
Protein change: p.Ile339Thr; replaces isoleucine 339 with threonine.
Molecular consequence: missense variant.
Genome position (GRCh38, 1-based): chr11:108,247,078, T>C. VCF-style: chr11-108247078-T-C. GRCh37 (hg19) VCF-style: chr11-108117805-T-C.
Other names: c.1016T>C, p.Ile339Thr (NM_001351834.2); short protein forms I339T.
Identifiers: ClinVar variation 843805 (VCV000843805.12), dbSNP rs2079887536, ClinGen allele CA382531495.